The following is an entry in ClinVar:

NM_000388.4(CASR):c.1669G>A (p.Gly557Arg)

Gene: CASR (calcium sensing receptor; plus strand). Cytogenetic location: 3q21.1.
Variant type: single nucleotide variant.
Coding change: c.1669G>A on transcript NM_000388.4 (MANE Select); coding-DNA position 1669, G replaced by A.
Protein change: p.Gly557Arg; replaces glycine 557 with arginine.
Molecular consequence: missense variant.
Genome position (GRCh38, 1-based): chr3:122,282,173, G>A. VCF-style: chr3-122282173-G-A. GRCh37 (hg19) VCF-style: chr3-122001020-G-A.
Other names: c.1699G>A, p.Gly567Arg (NM_001178065.2); short protein forms G557R, G567R.
Identifiers: ClinVar variation 1057752 (VCV001057752.9), dbSNP rs2107648307, ClinGen allele CA354156235.

ClinVar aggregate classification (germline): Uncertain significance (1 of 4 stars; one submission).

Conditions:
Autosomal dominant hypocalcemia 1 (HYPOC1). Also called: HYPOCALCEMIA, FAMILIAL. Identifiers: MedGen C3715128, MONDO:0011013, OMIM 601198.
Familial hypocalciuric hypercalcemia (FHH). Also called: Familial benign hypercalcemia. Identifiers: Orphanet 405, MedGen C1809471, MONDO:0018458.

Submission:

Labcorp Genetics (formerly Invitae), Labcorp
Classification: Uncertain significance for Familial hypocalciuric hypercalcemia; Autosomal dominant hypocalcemia 1. Last evaluated: 2020-06-28. Review status: criteria provided, single submitter. Criteria: Invitae Variant Classification Sherloc (09022015). Collection method: clinical testing. Allele origin: germline.
Comment: This sequence change replaces glycine with arginine at codon 557 of the CASR protein (p.Gly557Arg). The glycine residue is highly conserved and there is a moderate physicochemical difference between glycine and arginine. This variant is not present in population databases (ExAC no frequency). This variant has not been reported in the literature in individuals with CASR-related conditions. Algorithms developed to predict the effect of missense changes on protein structure and function are either unavailable or do not agree on the potential impact of this missense change (SIFT: "Deleterious"; PolyPhen-2: "Benign"; Align-GVGD: "Class C25"). This variant disrupts the p.Gly557 amino acid residue in CASR. Other variant(s) that disrupt this residue have been determined to be pathogenic (PMID: 11762699, 16491288, 27434672). This suggests that this residue is clinically significant, and that variants that disrupt this residue are likely to be disease-causing. In summary, the available evidence is currently insufficient to determine the role of this variant in disease. Therefore, it has been classified as a Variant of Uncertain Significance.

Literature cited by the submitters: PubMed 11762699; PubMed 16491288; PubMed 27434672.